The following is an entry in ClinVar:

NM_020708.5(SLC12A5):c.2658G>A (p.Ala886=)

Gene: SLC12A5 (solute carrier family 12 member 5; plus strand). Cytogenetic location: 20q13.12.
Variant type: single nucleotide variant.
Coding change: c.2658G>A on transcript NM_020708.5 (MANE Select); coding-DNA position 2658, G replaced by A.
Protein change: p.Ala886=; no amino-acid change (alanine 886 retained).
Molecular consequence: synonymous variant.
Genome position (GRCh38, 1-based): chr20:46,053,688, G>A. VCF-style: chr20-46053688-G-A. GRCh37 (hg19) VCF-style: chr20-44682327-G-A.
Other names: c.2727G>A, p.Ala909= (NM_001134771.2).
Identifiers: ClinVar variation 1033949 (VCV001033949.6), dbSNP rs546939045, ClinGen allele CA9887660.

ClinVar aggregate classification (germline): Conflicting classifications of pathogenicity. Review status: criteria provided, conflicting classifications (1 of 4 stars). 2 submissions from 2 submitters: Uncertain significance (1); Likely benign (1). Last evaluated 2024-09-12.

Conditions:
Developmental and epileptic encephalopathy, 34 (DEE34). Also called: SLC12A5-Related Epilepsy of Infancy with Migrating Focal Seizures; Early infantile epileptic encephalopathy 34. Identifiers: Orphanet 293181, MedGen C4225257, MONDO:0014718, OMIM 616645.

Allele frequency attached by ClinVar (database versions not stated): gnomAD 0.00001 and 0.00002; gnomAD exomes 0.00002 and 0.00005; TOPMed 0.00002; ExAC 0.00003; 1000 Genomes Project 30x 0.00016; 1000 Genomes Project 0.00020.
gnomAD v4.1: 36 of 1,601,744 alleles (0.0022%); highest among the groups gnomAD compares: South Asian, 0.026%; no homozygotes.

Submissions (2):

Labcorp Genetics (formerly Invitae), Labcorp
Classification: Likely benign for Developmental and epileptic encephalopathy, 34. Last evaluated: 2024-09-12. Review status: criteria provided, single submitter. Criteria: Invitae Variant Classification Sherloc (09022015). Collection method: clinical testing. Allele origin: germline.

Baylor Genetics
Classification: Uncertain significance for Developmental and epileptic encephalopathy, 34. Last evaluated: 2018-03-26. Review status: criteria provided, single submitter. Criteria: ACMG Guidelines, 2015. Collection method: clinical testing. Allele origin: maternal. Affected: yes.
Comment: This variant was determined to be of uncertain significance according to ACMG Guidelines, 2015 [PMID:25741868].